The following is an entry in ClinVar:

NM_004423.4(DVL3):c.983C>T (p.Pro328Leu)

Gene: DVL3 (dishevelled segment polarity protein 3; plus strand). Cytogenetic location: 3q27.1.
Variant type: single nucleotide variant.
Coding change: c.983C>T on transcript NM_004423.4 (MANE Select); coding-DNA position 983, C replaced by T.
Protein change: p.Pro328Leu; replaces proline 328 with leucine.
Molecular consequence: missense variant.
Genome position (GRCh38, 1-based): chr3:184,166,608, C>T. VCF-style: chr3-184166608-C-T. GRCh37 (hg19) VCF-style: chr3-183884396-C-T.
Other names: short protein forms P328L.
Identifiers: ClinVar variation 5037739 (VCV005037739.1).
Genomic context (GRCh38, chr3:184,166,608, plus strand): 5'-AAGGGGCTTGGTCTGGCCTATACGCATCCTGCCTTCACTAGGACACCCTTGTTTTCAGGC[C>T]CATCACCCTGACTGTAGCCAAGTGCTGGGACCCAAGTCCACGTGGTTGCTTCACATTGCC-3'
Protein context (NP_004414.3, residues 318-338): VLREIVHKPG[Pro328Leu]ITLTVAKCWD

ClinVar aggregate classification (germline): Uncertain significance (1 of 4 stars; one submission).

gnomAD v4.1: 1 of 1,614,010 alleles (0.000062%); highest among the groups gnomAD compares: Non-Finnish European, 0.000085%; no homozygotes.

Submission:

GeneDx
Classification: Uncertain significance. Last evaluated: 2026-04-12. Review status: criteria provided, single submitter. Criteria: GeneDx Variant Classification Process June 2021. Collection method: clinical testing. Allele origin: germline.
Comment: Has not been previously published as pathogenic or benign to our knowledge; In silico analysis supports that this missense variant has a deleterious effect on protein structure/function; Not observed at significant frequency in large population cohorts (gnomAD)